The following is an entry in ClinVar:

ClinVar aggregate classification (germline): Conflicting classifications of pathogenicity. Review status: criteria provided, conflicting classifications (1 of 4 stars). 2 submissions from 2 submitters: Uncertain significance (1); Likely benign (1). Last evaluated 2023-06-25.

Allele frequency attached by ClinVar (database versions not stated): gnomAD 0.00001; gnomAD exomes 0.00001 and 0.00002; TOPMed 0.00002.
gnomAD v4.1: 11 of 1,614,060 alleles (0.00068%); highest among the groups gnomAD compares: Middle Eastern, 0.016%; no homozygotes.

Submissions (2):

Labcorp Genetics (formerly Invitae), Labcorp
Classification: Likely benign. Last evaluated: 2023-06-25. Review status: criteria provided, single submitter. Criteria: Invitae Variant Classification Sherloc (09022015). Collection method: clinical testing. Allele origin: germline.

GeneDx
Classification: Uncertain significance. Last evaluated: 2021-07-21. Review status: criteria provided, single submitter. Criteria: GeneDx Variant Classification Process June 2021. Collection method: clinical testing. Allele origin: germline. Affected: yes.
Comment: Not observed at significant frequency in large population cohorts (Lek et al., 2016); In silico analysis supports that this variant does not alter splicing; Has not been previously published as pathogenic or benign to our knowledge

NM_017837.4(PIGV):c.1317T>C (p.Leu439=)

Gene: PIGV (phosphatidylinositol glycan anchor biosynthesis class V; plus strand). Cytogenetic location: 1p36.11.
Variant type: single nucleotide variant.
Coding change: c.1317T>C on transcript NM_017837.4 (MANE Select); coding-DNA position 1317, T replaced by C.
Protein change: p.Leu439=; no amino-acid change (leucine 439 retained).
Molecular consequence: synonymous variant. On other transcripts: non-coding transcript variant (2).
Genome position (GRCh38, 1-based): chr1:26,797,679, T>C. VCF-style: chr1-26797679-T-C. GRCh37 (hg19) VCF-style: chr1-27124170-T-C.
Other names: c.1317T>C, p.Leu439= (NM_001202554.2, NM_001374478.1, NM_001374480.1 and 2 more transcripts); c.936T>C, p.Leu312= (NM_001374483.1); c.690T>C, p.Leu230= (NM_001374484.1, NM_001374485.1); c.195T>C, p.Leu65= (NM_001374486.1).
Identifiers: ClinVar variation 1254364 (VCV001254364.5), dbSNP rs959088580, ClinGen allele CA19836847.
Genomic context (GRCh38, chr1:26,797,679, plus strand): 5'-CTTGCTTCAGGATCAAGAGCCGCTGTTGAGATCCTTAAAGACTGTGCCTTGGAAGCCTCT[T>C]GCAGAGGACTCCCCACCAGGACAAAAGGTCCCCAGAAATCCTATCATGGGACTTTTGTAT-3'
Protein context (NP_060307.2, residues 429-449): RSLKTVPWKP[Leu439=]AEDSPPGQKV